The following is an entry in ClinVar:

ClinVar aggregate classification (germline): Benign/Likely benign. Review status: criteria provided, multiple submitters, no conflicts (2 of 4 stars). 13 submissions from 11 submitters: Benign (8); Likely benign (5). Last evaluated 2026-01-26.

Conditions:
Ehlers-Danlos syndrome, arthrochalasia type, 2. Also called: EHLERS-DANLOS SYNDROME, TYPE VIIB, AUTOSOMAL DOMINANT. Identifiers: MedGen CN293783, MONDO:0040501, OMIM 617821.
Osteogenesis imperfecta type I (OI1). Also called: Classic Non-deforming Osteogenesis Imperfecta with Blue Sclerae; Osteogenesis imperfecta type 1; Lobstein's Disease; OI, TYPE I; Lobstein disease; OSTEOGENESIS IMPERFECTA TARDA. Identifiers: Orphanet 216796, Orphanet 666, MedGen C0023931, MONDO:0008146, OMIM 166200. Disease mechanism: loss of function.
Ehlers-Danlos syndrome, classic type, 1 (EDSCL1). Also called: Ehlers-Danlos Syndrome, Classic Type, COL5A1-Related; Ehlers-Danlos syndrome, type 1; EHLERS-DANLOS SYNDROME, GRAVIS TYPE; EHLERS-DANLOS SYNDROME, SEVERE CLASSIC TYPE; EDS I. Identifiers: MedGen C0268335, MONDO:0019567, OMIM 130000.
Cardiovascular phenotype. Identifiers: MedGen CN230736.
Ehlers-Danlos syndrome (EDS). Identifiers: Orphanet 98249, MedGen C0013720, MONDO:0020066.
Osteogenesis imperfecta (OI). Identifiers: Orphanet 666, MedGen C0029434, MeSH D010013, MONDO:0019019.

Allele frequency attached by ClinVar (database versions not stated): TOPMed 0.00432; 1000 Genomes Project 30x 0.00547; gnomAD 0.00404 and 0.00373; gnomAD exomes 0.00099 and 0.00036; 1000 Genomes Project 0.00539; ExAC 0.00123; ESP Exome Variant Server 0.00454.
gnomAD v4.1: 1,128 of 1,614,122 alleles (0.07%); highest among the groups gnomAD compares: African/African-American, 1.3%; 7 homozygotes.

Submissions (13):

Labcorp Genetics (formerly Invitae), Labcorp
Classification: Benign for Osteogenesis imperfecta type I; Ehlers-Danlos syndrome, classic type, 1. Last evaluated: 2026-01-26. Review status: criteria provided, single submitter. Criteria: Invitae Variant Classification Sherloc (09022015). Collection method: clinical testing. Allele origin: germline.

Athena Diagnostics
Classification: Benign. Last evaluated: 2025-11-04. Review status: criteria provided, single submitter. Criteria: Athena Diagnostics Criteria. Collection method: clinical testing. Allele origin: unknown.
Comment: The frequency of this variant in the general population is higher than would generally be expected for pathogenic variants in this gene.

CeGaT Center for Human Genetics Tuebingen
Classification: Likely benign. Last evaluated: 2025-08-01. Review status: criteria provided, single submitter. Criteria: CeGaT Center For Human Genetics Tuebingen Variant Classification Criteria Version 2. Collection method: clinical testing. Allele origin: germline. Affected: yes. Observed: 1 variant allele.
Comment: COL1A2: BP4, BP7, BS1

ARUP Laboratories, Molecular Genetics and Genomics, ARUP Laboratories
Classification: Benign. Last evaluated: 2023-10-14. Review status: criteria provided, single submitter. Criteria: ARUP Molecular Germline Variant Investigation Process 2024. Collection method: clinical testing. Allele origin: germline.

Mayo Clinic Laboratories, Mayo Clinic
Classification: Benign. Last evaluated: 2023-06-13. Review status: criteria provided, single submitter. Criteria: ACMG Guidelines, 2015. Collection method: clinical testing. Allele origin: germline. Observed: 5 variant alleles.
Comment: BS1, BS2, BP4, BP7

Genome Diagnostics Laboratory, The Hospital for Sick Children
Classification: Likely benign for Ehlers-Danlos syndrome. Last evaluated: 2022-06-14. Review status: criteria provided, single submitter. Criteria: ACMG Guidelines, 2015. Collection method: clinical testing. Allele origin: germline.

Genome Diagnostics Laboratory, The Hospital for Sick Children
Classification: Likely benign for Osteogenesis imperfecta. Last evaluated: 2019-03-01. Review status: criteria provided, single submitter. Criteria: ACMG Guidelines, 2015. Collection method: clinical testing. Allele origin: germline.

Ambry Genetics
Classification: Benign for Cardiovascular phenotype. Last evaluated: 2019-02-08. Review status: criteria provided, single submitter. Criteria: Ambry Variant Classification Scheme 2023. Collection method: clinical testing. Allele origin: germline.

Illumina Laboratory Services, Illumina
Classification: Benign for Ehlers-Danlos syndrome, arthrochalasia type, 2. Last evaluated: 2018-01-13. Review status: criteria provided, single submitter. Criteria: ICSL Variant Classification Criteria 13 December 2019. Collection method: clinical testing. Allele origin: germline.
Comment: This variant was observed in the ICSL laboratory as part of a predisposition screen in an ostensibly healthy population. It had not been previously curated by ICSL or reported in the Human Gene Mutation Database (HGMD: prior to June 1st, 2018), and was therefore a candidate for classification through an automated scoring system. Utilizing variant allele frequency, disease prevalence and penetrance estimates, and inheritance mode, an automated score was calculated to assess if this variant is too frequent to cause the disease. Based on the score and internal cut-off values, a variant classified as benign is not then subjected to further curation. The score for this variant resulted in a classification of benign for this disease.

Illumina Laboratory Services, Illumina
Classification: Benign for Osteogenesis imperfecta. Last evaluated: 2018-01-13. Review status: criteria provided, single submitter. Criteria: ICSL Variant Classification Criteria 13 December 2019. Collection method: clinical testing. Allele origin: germline.
Comment: the same text as in the submission from Illumina Laboratory Services, Illumina above.

GeneDx
Classification: Benign. Last evaluated: 2017-10-02. Review status: criteria provided, single submitter. Criteria: GeneDx Variant Classification (06012015). Collection method: clinical testing. Allele origin: germline. Affected: yes.
Comment: This variant is considered likely benign or benign based on one or more of the following criteria: it is a conservative change, it occurs at a poorly conserved position in the protein, it is predicted to be benign by multiple in silico algorithms, and/or has population frequency not consistent with disease.

Women's Health and Genetics/Laboratory Corporation of America, LabCorp
Classification: Likely benign for Osteogenesis Imperfecta. Last evaluated: 2011-08-18. Review status: criteria provided, single submitter. Criteria: LabCorp Variant Classification Summary - May 2015. Collection method: curation, clinical testing. Allele origin: germline. Inheritance: autosomal unknown. Affected: yes.
ClinVar note: Converted during submission from likely benign to Likely benign.

Breakthrough Genomics
Classification: Likely benign. Review status: criteria provided, single submitter. Criteria: ACMG Guidelines, 2015. Collection method: not provided. Allele origin: germline. Inheritance: Autosomal recessive inheritance. Affected: yes.

NM_000089.4(COL1A2):c.3336C>T (p.Tyr1112=)

Gene: COL1A2 (collagen type I alpha 2 chain; plus strand). Cytogenetic location: 7q21.3.
Variant type: single nucleotide variant.
Coding change: c.3336C>T on transcript NM_000089.4 (MANE Select); coding-DNA position 3336, C replaced by T.
Protein change: p.Tyr1112=; no amino-acid change (tyrosine 1112 retained).
Molecular consequence: synonymous variant.
Genome position (GRCh38, 1-based): chr7:94,427,695, C>T. VCF-style: chr7-94427695-C-T. GRCh37 (hg19) VCF-style: chr7-94057007-C-T.
Other names: p.Tyr1112=.
Identifiers: ClinVar variation 35948 (VCV000035948.39), dbSNP rs34691365, ClinGen allele CA260367.
Genomic context (GRCh38, chr7:94,427,695, plus strand): 5'-TGGTCCCCCTGGCCCTCCTGGACCTCCAGGTGTAAGCGGTGGTGGTTATGACTTTGGTTA[C>T]GATGGAGACTTCTACAGGGCTGACCAGCCTCGCTCAGCACCTTCTCTCAGACCCAAGGAC-3'
Protein context (NP_000080.2, residues 1102-1122): GVSGGGYDFG[Tyr1112=]DGDFYRADQP